The following is an entry in ClinVar:

NM_001851.6(COL9A1):c.2225G>A (p.Gly742Asp)

Gene: COL9A1 (collagen type IX alpha 1 chain; minus strand). Cytogenetic location: 6q13.
Variant type: single nucleotide variant.
Coding change: c.2225G>A on transcript NM_001851.6 (MANE Select); coding-DNA position 2225, G replaced by A.
Protein change: p.Gly742Asp; replaces glycine 742 with aspartic acid.
Molecular consequence: missense variant. On other transcripts: non-coding transcript variant (1), intron variant (1).
Genome position (GRCh38, 1-based): chr6:70,234,828, C>T on the plus strand (G>A on the coding strand, the complement: COL9A1 is on the minus strand). VCF-style: chr6-70234828-C-T. GRCh37 (hg19) VCF-style: chr6-70944531-C-T.
Other names: c.2225G>A (NM_001851.4); c.1526G>A, p.Gly509Asp (NM_001377289.1); c.1496G>A, p.Gly499Asp (NM_078485.4); c.1384-235G>A (NM_001377290.1); short protein forms G499D, G509D, G742D.
Identifiers: ClinVar variation 1472935 (VCV001472935.9), dbSNP rs1206093741, ClinGen allele CA364673091.

ClinVar aggregate classification (germline): Uncertain significance. Review status: criteria provided, multiple submitters, no conflicts (2 of 4 stars). 2 submissions from 2 submitters: Uncertain significance (2). Last evaluated 2023-11-19.

Conditions:
COL9A1-related disorder. Also called: COL9A1-related condition; COL9A1-related disorders.

gnomAD v4.1: 9 of 1,614,036 alleles (0.00056%); highest among the groups gnomAD compares: Non-Finnish European, 0.00076%; no homozygotes.

Submissions (2):

Labcorp Genetics (formerly Invitae), Labcorp
Classification: Uncertain significance. Last evaluated: 2023-11-19. Review status: criteria provided, single submitter. Criteria: Invitae Variant Classification Sherloc (09022015). Collection method: clinical testing. Allele origin: germline.
Comment: This sequence change replaces glycine, which is neutral and non-polar, with aspartic acid, which is acidic and polar, at codon 742 of the COL9A1 protein (p.Gly742Asp). This variant is present in population databases (no rsID available, gnomAD 0.0009%). This variant has not been reported in the literature in individuals affected with COL9A1-related conditions. ClinVar contains an entry for this variant (Variation ID: 1472935). Advanced modeling of protein sequence and biophysical properties (such as structural, functional, and spatial information, amino acid conservation, physicochemical variation, residue mobility, and thermodynamic stability) performed at Invitae indicates that this missense variant is expected to disrupt COL9A1 protein function with a positive predictive value of 95%. In summary, the available evidence is currently insufficient to determine the role of this variant in disease. Therefore, it has been classified as a Variant of Uncertain Significance.

PreventionGenetics, part of Exact Sciences
Classification: Uncertain significance for COL9A1-related condition. Last evaluated: 2023-03-02. Review status: criteria provided, single submitter. Criteria: ACMG Guidelines, 2015. Collection method: clinical testing. Allele origin: germline.
Comment: The COL9A1 c.2225G>A variant is predicted to result in the amino acid substitution p.Gly742Asp. To our knowledge, this variant has not been reported in the literature. This variant is reported in 0.00088% of alleles in individuals of European (Non-Finnish) descent in gnomAD. At this time, the clinical significance of this variant is uncertain due to the absence of conclusive functional and genetic evidence.